The following is an entry in ClinVar:

NM_001042492.3(NF1):c.3026T>G (p.Ile1009Ser)

Gene: NF1 (neurofibromin 1; plus strand). Cytogenetic location: 17q11.2.
Variant type: single nucleotide variant.
Coding change: c.3026T>G on transcript NM_001042492.3 (MANE Select); coding-DNA position 3026, T replaced by G.
Protein change: p.Ile1009Ser; replaces isoleucine 1009 with serine.
Molecular consequence: missense variant.
Genome position (GRCh38, 1-based): chr17:31,230,295, T>G. VCF-style: chr17-31230295-T-G. GRCh37 (hg19) VCF-style: chr17-29557313-T-G.
Other names: c.3026T>G, p.Ile1009Ser (NM_000267.4); short protein forms I1009S.
Identifiers: ClinVar variation 4800739 (VCV004800739.1).

ClinVar aggregate classification (germline): Uncertain significance (1 of 4 stars; one submission).

Conditions:
Neurofibromatosis, type 1 (NF1). Also called: VON RECKLINGHAUSEN DISEASE; Neurofibromatosis, type I; NEUROFIBROMATOSIS, TYPE I, SOMATIC; Peripheral type neurofibromatosis. Identifiers: Orphanet 636, MedGen C0027831, MONDO:0018975, OMIM 162200. Disease mechanism: loss of function.

Submission:

Labcorp Genetics (formerly Invitae), Labcorp
Classification: Uncertain significance for Neurofibromatosis, type 1. Last evaluated: 2025-06-09. Review status: criteria provided, single submitter. Criteria: Invitae Variant Classification Sherloc (09022015). Collection method: clinical testing. Allele origin: germline.
Comment: This sequence change replaces isoleucine, which is neutral and non-polar, with serine, which is neutral and polar, at codon 1009 of the NF1 protein (p.Ile1009Ser). This variant is not present in population databases (gnomAD no frequency). This variant has not been reported in the literature in individuals affected with NF1-related conditions. Invitae Evidence Modeling of protein sequence and biophysical properties (such as structural, functional, and spatial information, amino acid conservation, physicochemical variation, residue mobility, and thermodynamic stability) indicates that this missense variant is expected to disrupt NF1 protein function with a positive predictive value of 95%. In summary, the available evidence is currently insufficient to determine the role of this variant in disease. Therefore, it has been classified as a Variant of Uncertain Significance.